The following is an entry in ClinVar:

ClinVar aggregate classification (germline): Benign/Likely benign. Review status: criteria provided, multiple submitters, no conflicts (2 of 4 stars). 5 submissions from 5 submitters: Benign (3); Likely benign (2). Last evaluated 2026-01-27.

Allele frequency attached by ClinVar (database versions not stated): gnomAD exomes 0.00048; ExAC 0.00057; 1000 Genomes Project 30x 0.00094; 1000 Genomes Project 0.00120; ESP Exome Variant Server 0.00139; TOPMed 0.00216; gnomAD 0.00217 and 0.00222.
gnomAD v4.1: 575 of 1,575,780 alleles (0.036%); highest among the groups gnomAD compares: African/African-American, 0.69%; 7 homozygotes.

Submissions (5):

Labcorp Genetics (formerly Invitae), Labcorp
Classification: Benign. Last evaluated: 2026-01-27. Review status: criteria provided, single submitter. Criteria: Invitae Variant Classification Sherloc (09022015). Collection method: clinical testing. Allele origin: germline.

Blueprint Genetics
Classification: Likely benign. Last evaluated: 2024-10-02. Review status: criteria provided, single submitter. Criteria: ACMG Guidelines, 2015. Collection method: clinical testing. Allele origin: germline.

ARUP Laboratories, Molecular Genetics and Genomics, ARUP Laboratories
Classification: Likely benign. Last evaluated: 2023-07-13. Review status: criteria provided, single submitter. Criteria: ARUP Molecular Germline Variant Investigation Process 2024. Collection method: clinical testing. Allele origin: germline.

GeneDx
Classification: Benign. Last evaluated: 2021-05-27. Review status: criteria provided, single submitter. Criteria: GeneDx Variant Classification Process June 2021. Collection method: clinical testing. Allele origin: germline. Affected: yes.

Women's Health and Genetics/Laboratory Corporation of America, LabCorp
Classification: Benign. Last evaluated: 2020-01-06. Review status: criteria provided, single submitter. Criteria: LabCorp Variant Classification Summary - May 2015. Collection method: clinical testing. Allele origin: germline.
Comment: Variant summary: RASA2 c.1020+20G>A alters a non-conserved nucleotide located close to a canonical splice site and therefore could affect mRNA splicing, leading to a significantly altered protein sequence. 5/5 computational tools predict no significant impact on normal splicing. However, these predictions have yet to be confirmed by functional studies. The variant allele was found at a frequency of 0.00048 in 216696 control chromosomes, predominantly at a frequency of 0.0064 within the African or African-American subpopulation in the gnomAD database. The observed variant frequency within African or African-American control individuals in the gnomAD database is approximately 1280 - fold the estimated maximal expected allele frequency for a pathogenic variant in RASA2 causing Noonan Syndrome and Related Conditions phenotype (5e-06), strongly suggesting that the variant is a benign polymorphism found primarily in populations of African or African-American origin. To our knowledge, no occurrence of c.1020+20G>A in individuals affected with Noonan Syndrome and Related Conditions and no experimental evidence demonstrating an impact on protein function have been reported. No clinical diagnostic laboratories have submitted clinical-significance assessments for this variant to ClinVar after 2014. Based on the evidence outlined above, the variant was classified as benign.

NM_006506.5(RASA2):c.1020+20G>A

Gene: RASA2 (RAS p21 protein activator 2; plus strand). Cytogenetic location: 3q23.
Variant type: single nucleotide variant.
Coding change: c.1020+20G>A on transcript NM_006506.5 (MANE Select); 20 bases into the intron after coding-DNA position 1020, G replaced by A.
Molecular consequence: intron variant.
Genome position (GRCh38, 1-based): chr3:141,571,088, G>A. VCF-style: chr3-141571088-G-A. GRCh37 (hg19) VCF-style: chr3-141289930-G-A.
Other names: c.1020+20G>A (NM_001303245.3, NM_001303246.3).
Identifiers: ClinVar variation 917555 (VCV000917555.14), dbSNP rs113251297, ClinGen allele CA2645383.
Genomic context (GRCh38, chr3:141,571,088, plus strand): 5'-GTCCTTTGAAAACTTTGCTGCTAAAATCACCAGATGTTCAAGTATGTTAAGAATCTTAAG[G>A]ATATGATTTAACACGAAACGGCTAAAATAATTCTATAAATGATAAGGAAAAGATTTCAAG-3'